The following is an entry in ClinVar:

NM_032242.4(PLXNA1):c.83C>T (p.Ala28Val)

Gene: PLXNA1 (plexin A1; plus strand). Cytogenetic location: 3q21.3.
Variant type: single nucleotide variant.
Coding change: c.83C>T on transcript NM_032242.4 (MANE Select); coding-DNA position 83, C replaced by T.
Protein change: p.Ala28Val; replaces alanine 28 with valine.
Molecular consequence: missense variant.
Genome position (GRCh38, 1-based): chr3:126,988,676, C>T. VCF-style: chr3-126988676-C-T. GRCh37 (hg19) VCF-style: chr3-126707519-C-T.
Other names: short protein forms A28V.
Identifiers: ClinVar variation 3357649 (VCV003357649.1).

ClinVar aggregate classification (germline): Uncertain significance (0 of 4 stars; one submission).

Conditions:
PLXNA1-related disorder. Also called: PLXNA1-related condition.

gnomAD v4.1: 68 of 1,575,740 alleles (0.0043%); highest among the groups gnomAD compares: Non-Finnish European, 0.0054%; no homozygotes.

Submission:

PreventionGenetics, part of Exact Sciences
Classification: Uncertain significance for PLXNA1-related condition. Last evaluated: 2024-02-09. Review status: no assertion criteria provided. Collection method: clinical testing. Allele origin: germline.
Comment: The PLXNA1 c.83C>T variant is predicted to result in the amino acid substitution p.Ala28Val. To our knowledge, this variant has not been reported in the literature. This variant is reported in 0.0031% of alleles in individuals of European (Non-Finnish) descent in gnomAD. At this time, the clinical significance of this variant is uncertain due to the absence of conclusive functional and genetic evidence.